The following is an entry in ClinVar:

ClinVar aggregate classification (germline): Likely benign (1 of 4 stars; one submission).

Allele frequency attached by ClinVar (database versions not stated): gnomAD exomes 0.00170; ExAC 0.00213; ESP Exome Variant Server 0.00546; gnomAD 0.00678 and 0.00723; 1000 Genomes Project 30x 0.00718; 1000 Genomes Project 0.00719; TOPMed 0.00727.
gnomAD v4.1: 2,163 of 1,606,830 alleles (0.13%); highest among the groups gnomAD compares: African/African-American, 2.3%; 25 homozygotes.

Submission:

GeneDx
Classification: Likely benign. Last evaluated: 2021-11-30. Review status: criteria provided, single submitter. Criteria: GeneDx Variant Classification Process June 2021. Collection method: clinical testing. Allele origin: germline. Affected: yes.
Comment: See Variant Classification Assertion Criteria.

NM_004115.4(FGF14):c.193+46C>T

Gene: FGF14 (fibroblast growth factor 14; minus strand). Cytogenetic location: 13q33.1.
Variant type: single nucleotide variant.
Coding change: c.193+46C>T on transcript NM_004115.4 (MANE Select); 46 bases into the intron after coding-DNA position 193, C replaced by T.
Molecular consequence: intron variant.
Genome position (GRCh38, 1-based): chr13:101,916,407, G>A on the plus strand (C>T on the coding strand, the complement: FGF14 is on the minus strand). VCF-style: chr13-101916407-G-A. GRCh37 (hg19) VCF-style: chr13-102568757-G-A.
Other names: c.53-41111C>T (NM_001321947.2); c.92-41111C>T (NM_001379342.1, NM_001321948.2, NM_001321945.2); c.-59-41111C>T (NM_001321946.2, NM_001321949.1, NM_001321943.1 and 4 more transcripts); c.14-41111C>T (NM_001321938.2, NM_001321940.1, NM_001321933.1); c.209-47579C>T (NM_001321939.2); c.209-41111C>T (NM_175929.3, NM_001321937.2); c.8-41111C>T (NM_001321941.2); c.5-41111C>T (NM_001321944.1, NM_001321936.1, NM_001321932.1).
Identifiers: ClinVar variation 1691145 (VCV001691145.2), dbSNP rs186807535, ClinGen allele CA7037235.